The following is an entry in ClinVar:

ClinVar aggregate classification (germline): Uncertain significance. Review status: criteria provided, multiple submitters, no conflicts (2 of 4 stars). 2 submissions from 2 submitters: Uncertain significance (2). Last evaluated 2025-07-03.

Conditions:
Inborn genetic diseases. Identifiers: MedGen C0950123, MeSH D030342.

Allele frequency attached by ClinVar (database versions not stated): ExAC 0.00001; gnomAD exomes 0.00004 and 0.00010; gnomAD 0.00005; TOPMed 0.00005.
gnomAD v4.1: 151 of 1,582,868 alleles (0.0095%); highest among the groups gnomAD compares: East Asian, 0.014%; no homozygotes.

Submissions (2):

Ambry Genetics
Classification: Uncertain significance for Inborn genetic diseases. Last evaluated: 2025-07-03. Review status: criteria provided, single submitter. Criteria: Ambry Variant Classification Scheme 2023. Collection method: clinical testing. Allele origin: germline.

GeneDx
Classification: Uncertain significance. Last evaluated: 2021-08-03. Review status: criteria provided, single submitter. Criteria: GeneDx Variant Classification Process June 2021. Collection method: clinical testing. Allele origin: germline. Affected: yes.
Comment: In silico analysis supports that this missense variant has a deleterious effect on protein structure/function; Has not been previously published as pathogenic or benign to our knowledge

NM_001042545.2(LTBP4):c.1795G>A (p.Gly599Arg)

Gene: LTBP4 (latent transforming growth factor beta binding protein 4; plus strand). Cytogenetic location: 19q13.2.
Variant type: single nucleotide variant.
Coding change: c.1795G>A on transcript NM_001042545.2 (MANE Select); coding-DNA position 1795, G replaced by A.
Protein change: p.Gly599Arg; replaces glycine 599 with arginine.
Molecular consequence: missense variant.
Genome position (GRCh38, 1-based): chr19:40,610,642, G>A. VCF-style: chr19-40610642-G-A. GRCh37 (hg19) VCF-style: chr19-41116548-G-A.
Other names: c.1996G>A, p.Gly666Arg (NM_001042544.1); c.1885G>A, p.Gly629Arg (NM_003573.2); short protein forms G599R, G629R, G666R.
Identifiers: ClinVar variation 1254633 (VCV001254633.5), dbSNP rs748744327, ClinGen allele CA9448428.
Genomic context (GRCh38, chr19:40,610,642, plus strand): 5'-GAGAACACGCCAGGCAGCTTCCTGTGCGTGTGCCCCGCCGGGTACCAGGCTGCACCGCAC[G>A]GAGCCAGCTGCCAGGGTGAGGGCCTGGGAGGGGCAGCTGGGAAGGGGTGTGAGCGGTTGG-3'
Protein context (NP_001036010.1, residues 589-609): CPAGYQAAPH[Gly599Arg]ASCQDVDECT